The following is an entry in ClinVar:

ClinVar aggregate classification (germline): Uncertain significance (1 of 4 stars; one submission).

Conditions:
Hereditary cancer-predisposing syndrome. Also called: Tumor predisposition; Hereditary neoplastic syndrome; Hereditary Cancer Syndrome; Neoplastic Syndromes, Hereditary. Identifiers: Orphanet 140162, MedGen C0027672, MeSH D009386, MONDO:0015356.

Submission:

Ambry Genetics
Classification: Uncertain significance for Hereditary cancer-predisposing syndrome. Last evaluated: 2025-05-17. Review status: criteria provided, single submitter. Criteria: Ambry Variant Classification Scheme 2023. Collection method: clinical testing. Allele origin: germline.
Comment: The p.P279S variant (also known as c.835C>T), located in coding exon 3 of the PHOX2B gene, results from a C to T substitution at nucleotide position 835. The proline at codon 279 is replaced by serine, an amino acid with similar properties. This amino acid position is conserved. In addition, this alteration is predicted to be tolerated by in silico analysis. Based on the available evidence, the clinical significance of this variant remains unclear.

NM_003924.4(PHOX2B):c.835C>T (p.Pro279Ser)

Gene: PHOX2B (paired like homeobox 2B; minus strand). Cytogenetic location: 4p13.
Variant type: single nucleotide variant.
Coding change: c.835C>T on transcript NM_003924.4 (MANE Select); coding-DNA position 835, C replaced by T.
Protein change: p.Pro279Ser; replaces proline 279 with serine.
Molecular consequence: missense variant.
Genome position (GRCh38, 1-based): chr4:41,745,917, G>A on the plus strand (C>T on the coding strand, the complement: PHOX2B is on the minus strand). VCF-style: chr4-41745917-G-A. GRCh37 (hg19) VCF-style: chr4-41747934-G-A.
Other names: short protein forms P279S.
Identifiers: ClinVar variation 3931857 (VCV003931857.1).